The following is an entry in ClinVar:

NM_025114.4(CEP290):c.5527del (p.Ile1843fs)

Gene: CEP290 (centrosomal protein 290; minus strand). Cytogenetic location: 12q21.32.
Variant type: Deletion.
Coding change: c.5527del on transcript NM_025114.4 (MANE Select); coding-DNA position 5527, one base deleted (A; older notation c.5527delA).
Protein change: p.Ile1843fs; shifts the reading frame from isoleucine 1843.
Molecular consequence: frameshift variant.
Genome position (GRCh38, 1-based): chr12:88,077,756, T deleted on the plus strand (A on the coding strand, the reverse complement: CEP290 is on the minus strand); the first of 3 consecutive T bases (chr12:88,077,756-88,077,758); deleting any one gives the same sequence. VCF-style (leftmost placement, unchanged base first): chr12-88077755-AT-A. GRCh37 (hg19) VCF-style: chr12-88471532-AT-A.
Other names: p.Ile1843LeufsTer8; c.5527delA (NM_025114.4); short protein forms I1843fs.
Identifiers: ClinVar variation 4880186 (VCV004880186.1).

ClinVar aggregate classification (germline): Likely pathogenic (1 of 4 stars; one submission).

Conditions:
Bardet-Biedl syndrome 14 (BBS14). Identifiers: Orphanet 110, MedGen C2673874, MONDO:0014442, OMIM 615991.

Submission:

Foundation for Research in Genetics and Endocrinology, FRIGE's Institute of Human Genetics
Classification: Likely pathogenic for Bardet-Biedl syndrome 14. Last evaluated: 2026-05-14. Review status: criteria provided, single submitter. Criteria: ACMG Guidelines, 2015. Collection method: clinical testing. Allele origin: germline. Inheritance: Autosomal recessive inheritance. Affected: yes. Observed: 1 variant allele, 1 compound heterozygote.
Comment: The heterozygous variant c.5527delA in exon 40 of the CEP290 gene was detected. The variant c.5527delA lies in exon 40 of the CEP290 gene and is predicted to cause a frameshift and consequent premature termination of the protein (p.Ile1843LeufsTer8). The truncated protein is predicted to have a length of 1849 amino acids (aa) as opposed to the original length of 2479 aa. The resultant protein is likely to lack the C-terminal region of the protein (UniProt); this will likely result in loss-of-function. In summary, the variant meets our criteria to be classified as Likely pathogenic.